The following is an entry in ClinVar:

NM_015178.3(RHOBTB2):c.293G>A (p.Gly98Glu)

Gene: RHOBTB2 (Rho related BTB domain containing 2; plus strand). Cytogenetic location: 8p21.3.
Variant type: single nucleotide variant.
Coding change: c.293G>A on transcript NM_015178.3 (MANE Select); coding-DNA position 293, G replaced by A.
Protein change: p.Gly98Glu; replaces glycine 98 with glutamic acid.
Molecular consequence: missense variant.
Genome position (GRCh38, 1-based): chr8:23,005,472, G>A. VCF-style: chr8-23005472-G-A. GRCh37 (hg19) VCF-style: chr8-22862985-G-A.
Other names: c.359G>A (NM_001160036.1); c.359G>A, p.Gly120Glu (NM_001160036.2); c.314G>A, p.Gly105Glu (NM_001160037.2); c.293G>A, p.Gly98Glu (NM_001374791.1); short protein forms G98E, G105E, G120E.
Identifiers: ClinVar variation 2855187 (VCV002855187.5), dbSNP rs2486999107, ClinGen allele CA370560668.

ClinVar aggregate classification (germline): Pathogenic. Review status: criteria provided, single submitter (1 of 4 stars). 2 submissions from 2 submitters: Pathogenic (1). 1 of the submissions does not count toward it. Last evaluated 2023-08-18.

Conditions:
RHOBTB2-related disorder. Also called: RHOBTB2-related condition.

Submissions (2):

Labcorp Genetics (formerly Invitae), Labcorp
Classification: Pathogenic. Last evaluated: 2023-08-18. Review status: criteria provided, single submitter. Criteria: Invitae Variant Classification Sherloc (09022015). Collection method: clinical testing. Allele origin: germline.
Comment: This sequence change replaces glycine, which is neutral and non-polar, with glutamic acid, which is acidic and polar, at codon 120 of the RHOBTB2 protein (p.Gly120Glu). This variant is not present in population databases (gnomAD no frequency). This missense change has been observed in individual(s) with clinical features of Rett syndrome-like (Invitae). In at least one individual the variant was observed to be de novo. Advanced modeling of protein sequence and biophysical properties (such as structural, functional, and spatial information, amino acid conservation, physicochemical variation, residue mobility, and thermodynamic stability) performed at Invitae indicates that this missense variant is not expected to disrupt RHOBTB2 protein function. Algorithms developed to predict the effect of sequence changes on RNA splicing suggest that this variant may disrupt the consensus splice site. For these reasons, this variant has been classified as Pathogenic.

PreventionGenetics, part of Exact Sciences
Classification: Uncertain significance for RHOBTB2-related condition. Last evaluated: 2023-12-27. Review status: no assertion criteria provided. Collection method: clinical testing. Allele origin: germline. Not counted in ClinVar's aggregate classification.
Comment: The RHOBTB2 c.359G>A variant is predicted to result in the amino acid substitution p.Gly120Glu. To our knowledge this variant has not been reported in the literature or in a large population database, indicating this variant is rare. At this time, the clinical significance of this variant is uncertain due to the absence of conclusive functional and genetic evidence.